The following is an entry in ClinVar:

ClinVar aggregate classification (germline): Uncertain significance. Review status: criteria provided, multiple submitters, no conflicts (2 of 4 stars). 3 submissions from 3 submitters: Uncertain significance (3). Last evaluated 2026-02-16.

Conditions:
Hereditary cancer-predisposing syndrome. Also called: Neoplastic Syndromes, Hereditary; Tumor predisposition; Hereditary Cancer Syndrome; Hereditary neoplastic syndrome. Identifiers: Orphanet 140162, MedGen C0027672, MeSH D009386, MONDO:0015356.

Allele frequency attached by ClinVar (database versions not stated): gnomAD exomes below 0.00001.
gnomAD v4.1: 2 of 1,613,876 alleles (0.00012%); highest among the groups gnomAD compares: Admixed American, 0.0017%; no homozygotes.

Submissions (3):

Dasa
Classification: Uncertain significance. Last evaluated: 2026-02-16. Review status: criteria provided, single submitter. Criteria: DASA Assertion Criteria. Collection method: clinical testing. Allele origin: germline.
Comment: NM_002439.5(MSH3):c.2481C>G (p.His827Gln) is a missense variant that results in the substitution of histidine with glutamine. This variant is rare in population databases. The currently available literature and clinical evidence are not sufficient to establish a definitive association between this variant and the reported condition. Therefore, this variant is classified as a variant of uncertain significance.

Ambry Genetics
Classification: Uncertain significance for Hereditary cancer-predisposing syndrome. Last evaluated: 2025-09-19. Review status: criteria provided, single submitter. Criteria: Ambry Variant Classification Scheme 2023. Collection method: clinical testing. Allele origin: germline.
Comment: The p.H827Q variant (also known as c.2481C>G), located in coding exon 18 of the MSH3 gene, results from a C to G substitution at nucleotide position 2481. The histidine at codon 827 is replaced by glutamine, an amino acid with highly similar properties. This amino acid position is highly conserved in available vertebrate species. In addition, the in silico prediction for this alteration is inconclusive. Since supporting evidence is limited at this time, the clinical significance of this alteration remains unclear.

Labcorp Genetics (formerly Invitae), Labcorp
Classification: Uncertain significance. Last evaluated: 2024-05-08. Review status: criteria provided, single submitter. Criteria: Invitae Variant Classification Sherloc (09022015). Collection method: clinical testing. Allele origin: germline.
Comment: This sequence change replaces histidine, which is basic and polar, with glutamine, which is neutral and polar, at codon 827 of the MSH3 protein (p.His827Gln). This variant is not present in population databases (gnomAD no frequency). This variant has not been reported in the literature in individuals affected with MSH3-related conditions. ClinVar contains an entry for this variant (Variation ID: 1038938). An algorithm developed to predict the effect of missense changes on protein structure and function (PolyPhen-2) suggests that this variant is likely to be disruptive. In summary, the available evidence is currently insufficient to determine the role of this variant in disease. Therefore, it has been classified as a Variant of Uncertain Significance.

NM_002439.5(MSH3):c.2481C>G (p.His827Gln)

Gene: MSH3 (mutS homolog 3; plus strand). Cytogenetic location: 5q14.1.
Variant type: single nucleotide variant.
Coding change: c.2481C>G on transcript NM_002439.5 (MANE Select); coding-DNA position 2481, C replaced by G.
Protein change: p.His827Gln; replaces histidine 827 with glutamine.
Molecular consequence: missense variant.
Genome position (GRCh38, 1-based): chr5:80,787,610, C>G. VCF-style: chr5-80787610-C-G. GRCh37 (hg19) VCF-style: chr5-80083429-C-G.
Other names: short protein forms H827Q.
Identifiers: ClinVar variation 1038938 (VCV001038938.12), dbSNP rs1744532237, ClinGen allele CA360283185.